The following is an entry in ClinVar:

ClinVar aggregate classification (germline): Pathogenic (1 of 4 stars; one submission).

Conditions:
Neuromuscular disease caused by qualitative or quantitative defects of dysferlin. Also called: Qualitative or quantitative defects of dysferlin; Dysferlinopathy. Identifiers: Orphanet 207073, MedGen C2931687, MONDO:0016145.

gnomAD v4.1: 1 of 1,614,216 alleles (0.000062%); highest among the groups gnomAD compares: Non-Finnish European, 0.000085%; no homozygotes.

Submission:

Labcorp Genetics (formerly Invitae), Labcorp
Classification: Pathogenic for Neuromuscular disease caused by qualitative or quantitative defects of dysferlin. Last evaluated: 2025-02-13. Review status: criteria provided, single submitter. Criteria: Invitae Variant Classification Sherloc (09022015). Collection method: clinical testing. Allele origin: germline.
Comment: This sequence change creates a premature translational stop signal (p.Tyr309*) in the DYSF gene. It is expected to result in an absent or disrupted protein product. Loss-of-function variants in DYSF are known to be pathogenic (PMID: 17698709, 20301480). This variant is not present in population databases (gnomAD no frequency). This variant has not been reported in the literature in individuals affected with DYSF-related conditions. For these reasons, this variant has been classified as Pathogenic.

Literature cited by the submitters: PubMed 17698709; PubMed 20301480.

NM_001130987.2(DYSF):c.1023C>A (p.Tyr341Ter)

Gene: DYSF (dysferlin; plus strand). Cytogenetic location: 2p13.2.
Variant type: single nucleotide variant.
Coding change: c.1023C>A on transcript NM_001130987.2 (MANE Select); coding-DNA position 1023, C replaced by A.
Protein change: p.Tyr341Ter; replaces tyrosine 341 with a stop codon.
Molecular consequence: nonsense.
Genome position (GRCh38, 1-based): chr2:71,520,198, C>A. VCF-style: chr2-71520198-C-A. GRCh37 (hg19) VCF-style: chr2-71747328-C-A.
Other names: c.930C>A, p.Tyr310Ter (NM_001130455.2, NM_001130983.2, NM_001130984.2 and 1 more transcripts); c.927C>A, p.Tyr309Ter (NM_001130976.2, NM_001130977.2, NM_001130978.2 and 1 more transcripts); c.1020C>A, p.Tyr340Ter (NM_001130979.2, NM_001130980.2, NM_001130981.2); c.1023C>A, p.Tyr341Ter (NM_001130982.2, NM_001130985.2); short protein forms Y309*, Y310*, Y340*, Y341*.
Identifiers: ClinVar variation 4807179 (VCV004807179.1).
Genomic context (GRCh38, chr2:71,520,198, plus strand): 5'-CGGCAAGAGTTTGATTTGTGTCTCCTCTCATTGATTGCAGATGGACGTGGGCACCATTTA[C>A]AGAGAGCCCCGTGAGTTCTCACCACTTTGGCCGTATCCTTGCATTTTGGTTCTGGAGGCT-3'